The following is an entry in ClinVar:

NM_000271.5(NPC1):c.3662T>A (p.Phe1221Tyr)

Gene: NPC1 (NPC intracellular cholesterol transporter 1; minus strand). Cytogenetic location: 18q11.2.
Variant type: single nucleotide variant.
Coding change: c.3662T>A on transcript NM_000271.5 (MANE Select); coding-DNA position 3662, T replaced by A.
Protein change: p.Phe1221Tyr; replaces phenylalanine 1221 with tyrosine.
Molecular consequence: missense variant.
Genome position (GRCh38, 1-based): chr18:23,533,447, A>T on the plus strand (T>A on the coding strand, the complement: NPC1 is on the minus strand). VCF-style: chr18-23533447-A-T. GRCh37 (hg19) VCF-style: chr18-21113411-A-T.
Other names: c.3662T>A (NM_000271.4); short protein forms F1221Y.
Identifiers: ClinVar variation 1401314 (VCV001401314.5), dbSNP rs1266315135, ClinGen allele CA401790697.
Genomic context (GRCh38, chr18:23,533,447, plus strand): 5'-AATCCGTGAGTGGCTCCCAGTAAGACCATGGCCAAATACATCCTGAAGTAGAATATCTGG[A>T]AAATTTGAGATTTGGCAAAAGCCAACACCACAATCCCTCCAAATTTTGTAAGTGTGATTC-3'
Protein context (NP_000262.2, residues 1211-1231): VVLAFAKSQI[Phe1221Tyr]QIFYFRMYLA

ClinVar aggregate classification (germline): Uncertain significance. Review status: criteria provided, single submitter (1 of 4 stars). 2 submissions from 2 submitters: Uncertain significance (1). 1 of the submissions does not count toward it. Last evaluated 2022-07-19.

Conditions:
NPC1-related disorder. Also called: NPC1-related condition.
Niemann-Pick disease, type C1. Also called: NIEMANN-PICK DISEASE, VARIANT TYPE C1; NEUROVISCERAL STORAGE DISEASE WITH VERTICAL SUPRANUCLEAR OPHTHALMOPLEGIA; NIEMANN-PICK DISEASE WITH CHOLESTEROL ESTERIFICATION BLOCK; NIEMANN-PICK DISEASE WITHOUT SPHINGOMYELINASE DEFICIENCY; NIEMANN-PICK DISEASE, CHRONIC NEURONOPATHIC FORM. Identifiers: Orphanet 646, MedGen C3179455, MONDO:0009757, OMIM 257220.

Allele frequency attached by ClinVar (database versions not stated): gnomAD exomes below 0.00001.
gnomAD v4.1: 1 of 1,614,238 alleles (0.000062%); highest among the groups gnomAD compares: Admixed American, 0.0017%; no homozygotes.

Submissions (2):

Labcorp Genetics (formerly Invitae), Labcorp
Classification: Uncertain significance for Niemann-Pick disease, type C1. Last evaluated: 2022-07-19. Review status: criteria provided, single submitter. Criteria: Invitae Variant Classification Sherloc (09022015). Collection method: clinical testing. Allele origin: germline.
Comment: This sequence change replaces phenylalanine, which is neutral and non-polar, with tyrosine, which is neutral and polar, at codon 1221 of the NPC1 protein (p.Phe1221Tyr). This variant is present in population databases (no rsID available, gnomAD 0.003%). This variant has not been reported in the literature in individuals affected with NPC1-related conditions. ClinVar contains an entry for this variant (Variation ID: 1401314). Advanced modeling of protein sequence and biophysical properties (such as structural, functional, and spatial information, amino acid conservation, physicochemical variation, residue mobility, and thermodynamic stability) performed at Invitae indicates that this missense variant is expected to disrupt NPC1 protein function. In summary, the available evidence is currently insufficient to determine the role of this variant in disease. Therefore, it has been classified as a Variant of Uncertain Significance.

PreventionGenetics, part of Exact Sciences
Classification: Uncertain significance for NPC1-related condition. Last evaluated: 2023-12-16. Review status: no assertion criteria provided. Collection method: clinical testing. Allele origin: germline. Not counted in ClinVar's aggregate classification.
Comment: The NPC1 c.3662T>A variant is predicted to result in the amino acid substitution p.Phe1221Tyr. To our knowledge, this variant has not been reported in the literature. This variant is reported in 0.0029% of alleles in individuals of Latino descent in gnomAD. At this time, the clinical significance of this variant is uncertain due to the absence of conclusive functional and genetic evidence.